The following is an entry in ClinVar:

ClinVar aggregate classification (germline): Uncertain significance. Review status: criteria provided, multiple submitters, no conflicts (2 of 4 stars). 3 submissions from 3 submitters: Uncertain significance (3). Last evaluated 2023-12-25.

Allele frequency attached by ClinVar (database versions not stated): TOPMed below 0.00001.
gnomAD v4.1: 7 of 1,604,536 alleles (0.00044%); highest among the groups gnomAD compares: Non-Finnish European, 0.0006%; no homozygotes.

Submissions (3):

Ambry Genetics
Classification: Uncertain significance. Last evaluated: 2023-12-25. Review status: criteria provided, single submitter. Criteria: Ambry Variant Classification Scheme 2023. Collection method: clinical testing. Allele origin: germline.
Comment: The p.K613R variant (also known as c.1838A>G), located in coding exon 14 of the RECQL gene, results from an A to G substitution at nucleotide position 1838. The lysine at codon 613 is replaced by arginine, an amino acid with highly similar properties. This amino acid position is conserved. In addition, this alteration is predicted to be tolerated by in silico analysis. Since supporting evidence is limited at this time, the clinical significance of this alteration remains unclear.

GeneDx
Classification: Uncertain significance. Last evaluated: 2023-06-23. Review status: criteria provided, single submitter. Criteria: GeneDx Variant Classification Process June 2021. Collection method: clinical testing. Allele origin: germline.
Comment: Not observed at significant frequency in large population cohorts (gnomAD); In silico analysis supports that this missense variant does not alter protein structure/function; Has not been previously published as pathogenic or benign to our knowledge; Variants in candidate genes are classified as variants of uncertain significance in accordance with ACMG guidelines (Richards et al., 2015); This variant is associated with the following publications: (PMID: 23396353, 27248010)

Labcorp Genetics (formerly Invitae), Labcorp
Classification: Uncertain significance. Last evaluated: 2022-04-09. Review status: criteria provided, single submitter. Criteria: Invitae Variant Classification Sherloc (09022015). Collection method: clinical testing. Allele origin: germline.
Comment: This sequence change replaces lysine, which is basic and polar, with arginine, which is basic and polar, at codon 613 of the RECQL protein (p.Lys613Arg). This variant is present in population databases (rs763815034, gnomAD 0.002%). This variant has not been reported in the literature in individuals affected with RECQL-related conditions. Algorithms developed to predict the effect of missense changes on protein structure and function output the following: SIFT: "Tolerated"; PolyPhen-2: "Benign"; Align-GVGD: "Class C0". The arginine amino acid residue is found in multiple mammalian species, which suggests that this missense change does not adversely affect protein function. In summary, the available evidence is currently insufficient to determine the role of this variant in disease. Therefore, it has been classified as a Variant of Uncertain Significance.

NM_002907.4(RECQL):c.1838A>G (p.Lys613Arg)

Genes: PYROXD1 (pyridine nucleotide-disulphide oxidoreductase domain 1; plus strand), RECQL (RecQ like helicase; minus strand). Cytogenetic location: 12p12.1.
Variant type: single nucleotide variant.
Coding change: c.1838A>G on transcript NM_002907.4 (MANE Select); coding-DNA position 1838, A replaced by G.
Protein change: p.Lys613Arg; replaces lysine 613 with arginine.
Molecular consequence: missense variant. On other transcripts: 3 prime UTR variant (3).
Genome position (GRCh38, 1-based): chr12:21,470,306, T>C on the plus strand (A>G on the coding strand, the complement: RECQL is on the minus strand). VCF-style: chr12-21470306-T-C. GRCh37 (hg19) VCF-style: chr12-21623240-T-C.
Other names: c.1838A>G, p.Lys613Arg (NM_032941.3); c.*1552T>C (NM_001350912.2, NM_001350913.2, NM_024854.5); short protein forms K613R.
Identifiers: ClinVar variation 1781074 (VCV001781074.9), dbSNP rs763815034, ClinGen allele CA6478604.